The following is an entry in ClinVar:

ClinVar aggregate classification (germline): Likely benign. Review status: criteria provided, multiple submitters, no conflicts (2 of 4 stars). 3 submissions from 3 submitters: Likely benign (2). 1 of the submissions does not count toward it. Last evaluated 2025-12-23.

Conditions:
Retinitis pigmentosa 71 (RP71). Identifiers: Orphanet 791, MedGen C4225342, MONDO:0014618, OMIM 616394.
Short-rib thoracic dysplasia 10 with or without polydactyly (SRTD10). Identifiers: Orphanet 474, MedGen C3810175, MONDO:0014284, OMIM 615630.
IFT172-related disorder. Also called: IFT172-related disorders; IFT172-related condition.

Allele frequency attached by ClinVar (database versions not stated): gnomAD 0.00001 and 0.00002; ExAC 0.00002; gnomAD exomes 0.00002 and 0.00006; TOPMed 0.00003.
gnomAD v4.1: 86 of 1,613,854 alleles (0.0053%); highest among the groups gnomAD compares: South Asian, 0.013%; no homozygotes.

Submissions (3):

Labcorp Genetics (formerly Invitae), Labcorp
Classification: Likely benign for Retinitis pigmentosa 71; Short-rib thoracic dysplasia 10 with or without polydactyly. Last evaluated: 2025-12-23. Review status: criteria provided, single submitter. Criteria: Invitae Variant Classification Sherloc (09022015). Collection method: clinical testing. Allele origin: germline.

Blueprint Genetics
Classification: Likely benign. Last evaluated: 2024-11-23. Review status: criteria provided, single submitter. Criteria: ACMG Guidelines, 2015. Collection method: clinical testing. Allele origin: germline.

PreventionGenetics, part of Exact Sciences
Classification: Likely benign for IFT172-related condition. Last evaluated: 2024-05-08. Review status: no assertion criteria provided. Collection method: clinical testing. Allele origin: germline. Not counted in ClinVar's aggregate classification.
Comment: This variant is classified as likely benign based on ACMG/AMP sequence variant interpretation guidelines (Richards et al. 2015 PMID: 25741868, with internal and published modifications).

NM_015662.3(IFT172):c.363G>A (p.Pro121=)

Gene: IFT172 (intraflagellar transport 172; minus strand). Cytogenetic location: 2p23.3.
Variant type: single nucleotide variant.
Coding change: c.363G>A on transcript NM_015662.3 (MANE Select); coding-DNA position 363, G replaced by A.
Protein change: p.Pro121=; no amino-acid change (proline 121 retained).
Molecular consequence: synonymous variant.
Genome position (GRCh38, 1-based): chr2:27,483,911, C>T on the plus strand (G>A on the coding strand, the complement: IFT172 is on the minus strand). VCF-style: chr2-27483911-C-T. GRCh37 (hg19) VCF-style: chr2-27706778-C-T.
Other names: c.363G>A (NM_015662.2).
Identifiers: ClinVar variation 1138375 (VCV001138375.11), dbSNP rs761759245, ClinGen allele CA1581005.